The following is an entry in ClinVar:

NM_000254.3(MTR):c.*2388G>C

Gene: MTR (5-methyltetrahydrofolate-homocysteine methyltransferase; plus strand). Cytogenetic location: 1q43.
Variant type: single nucleotide variant.
Coding change: c.*2388G>C on transcript NM_000254.3 (MANE Select); 2388 bases downstream of the stop codon, G replaced by C.
Molecular consequence: 3 prime UTR variant.
Genome position (GRCh38, 1-based): chr1:236,900,032, G>C. VCF-style: chr1-236900032-G-C. GRCh37 (hg19) VCF-style: chr1-237063332-G-C.
Other names: c.*2388G>C (NM_001291939.1, NM_001291940.2).
Identifiers: ClinVar variation 296630 (VCV000296630.6), dbSNP rs78990641, ClinGen allele CA10610664.

ClinVar aggregate classification (germline): Benign. Review status: criteria provided, multiple submitters, no conflicts (2 of 4 stars). 2 submissions from 2 submitters: Benign (2). Last evaluated 2018-01-12.

Conditions:
Disorders of Intracellular Cobalamin Metabolism. Identifiers: MedGen CN043592.

Allele frequency attached by ClinVar (database versions not stated): gnomAD exomes 0.00206; 1000 Genomes Project 0.01857; 1000 Genomes Project 30x 0.01983; gnomAD 0.01988 and 0.02147; TOPMed 0.02232.
gnomAD v4.1: 3,167 of 237,294 alleles (1.3%); highest among the groups gnomAD compares: African/African-American, 6.8%; 107 homozygotes.

Submissions (2):

Illumina Laboratory Services, Illumina
Classification: Benign for Disorders of Intracellular Cobalamin Metabolism. Last evaluated: 2018-01-12. Review status: criteria provided, single submitter. Criteria: ICSL Variant Classification Criteria 13 December 2019. Collection method: clinical testing. Allele origin: germline.
Comment: This variant was observed in the ICSL laboratory as part of a predisposition screen in an ostensibly healthy population. It had not been previously curated by ICSL or reported in the Human Gene Mutation Database (HGMD: prior to June 1st, 2018), and was therefore a candidate for classification through an automated scoring system. Utilizing variant allele frequency, disease prevalence and penetrance estimates, and inheritance mode, an automated score was calculated to assess if this variant is too frequent to cause the disease. Based on the score and internal cut-off values, a variant classified as benign is not then subjected to further curation. The score for this variant resulted in a classification of benign for this disease.

Breakthrough Genomics
Classification: Benign. Review status: criteria provided, single submitter. Criteria: ACMG Guidelines, 2015. Collection method: not provided. Allele origin: germline. Inheritance: Autosomal recessive inheritance. Affected: yes.